The following is an entry in ClinVar:

NM_000360.4(TH):c.713C>G (p.Thr238Arg)

Gene: TH (tyrosine hydroxylase; minus strand). Cytogenetic location: 11p15.5.
Variant type: single nucleotide variant.
Coding change: c.713C>G on transcript NM_000360.4 (MANE Select); coding-DNA position 713, C replaced by G.
Protein change: p.Thr238Arg; replaces threonine 238 with arginine.
Molecular consequence: missense variant.
Genome position (GRCh38, 1-based): chr11:2,167,015, G>C on the plus strand (C>G on the coding strand, the complement: TH is on the minus strand). VCF-style: chr11-2167015-G-C. GRCh37 (hg19) VCF-style: chr11-2188245-G-C.
Other names: c.806C>G, p.Thr269Arg (NM_199292.3); c.794C>G, p.Thr265Arg (NM_199293.3); c.806C>G (NM_199292.2); short protein forms T269R, T265R, T238R.
Identifiers: ClinVar variation 2164614 (VCV002164614.4), dbSNP rs757607038, ClinGen allele CA5818511.

ClinVar aggregate classification (germline): Uncertain significance. Review status: criteria provided, multiple submitters, no conflicts (2 of 4 stars). 2 submissions from 2 submitters: Uncertain significance (2). Last evaluated 2025-12-04.

Conditions:
TH-deficient dopa-responsive dystonia. Also called: Tyrosine Hydroxylase-Deficient Dopa-Responsive Dystonia; Segawa syndrome, autosomal recessive; DYT-TH. Identifiers: Orphanet 101150, MedGen C2673535, MONDO:0011551, OMIM 605407.
Inborn genetic diseases. Identifiers: MedGen C0950123, MeSH D030342.

Submissions (2):

Ambry Genetics
Classification: Uncertain significance for Inborn genetic diseases. Last evaluated: 2025-12-04. Review status: criteria provided, single submitter. Criteria: Ambry Variant Classification Scheme 2023. Collection method: clinical testing. Allele origin: germline.

Labcorp Genetics (formerly Invitae), Labcorp
Classification: Uncertain significance for TH-deficient dopa-responsive dystonia. Last evaluated: 2022-08-09. Review status: criteria provided, single submitter. Criteria: Invitae Variant Classification Sherloc (09022015). Collection method: clinical testing. Allele origin: germline.
Comment: This sequence change replaces threonine, which is neutral and polar, with arginine, which is basic and polar, at codon 269 of the TH protein (p.Thr269Arg). This variant is present in population databases (rs757607038, gnomAD 0.006%). This variant has not been reported in the literature in individuals affected with TH-related conditions. Advanced modeling of protein sequence and biophysical properties (such as structural, functional, and spatial information, amino acid conservation, physicochemical variation, residue mobility, and thermodynamic stability) performed at Invitae indicates that this missense variant is not expected to disrupt TH protein function. In summary, the available evidence is currently insufficient to determine the role of this variant in disease. Therefore, it has been classified as a Variant of Uncertain Significance.